The following is an entry in ClinVar:

NM_000122.2(ERCC3):c.244G>C (p.Gly82Arg)

Gene: ERCC3 (ERCC excision repair 3, TFIIH core complex helicase subunit; minus strand). Cytogenetic location: 2q14.3.
Variant type: single nucleotide variant.
Coding change: c.244G>C on transcript NM_000122.2 (MANE Select); coding-DNA position 244, G replaced by C.
Protein change: p.Gly82Arg; replaces glycine 82 with arginine.
Molecular consequence: missense variant.
Genome position (GRCh38, 1-based): chr2:127,292,837, C>G on the plus strand (G>C on the coding strand, the complement: ERCC3 is on the minus strand). VCF-style: chr2-127292837-C-G. GRCh37 (hg19) VCF-style: chr2-128050413-C-G.
Other names: c.52G>C, p.Gly18Arg (NM_001303416.2, NM_001303418.2); short protein forms G18R, G82R.
Identifiers: ClinVar variation 5006062 (VCV005006062.2).

ClinVar aggregate classification (germline): Uncertain significance (1 of 4 stars; one submission).

Conditions:
Trichothiodystrophy 2, photosensitive (TTD2). Identifiers: Orphanet 33364, MedGen C4225344, MONDO:0014615, OMIM 616390.
Xeroderma pigmentosum group B. Also called: XP, GROUP B; XPB/CS; XERODERMA PIGMENTOSUM B/COCKAYNE SYNDROME; ERCC3-Related Xeroderma Pigmentosum. Identifiers: MedGen C0268136, MONDO:0012531, OMIM 610651.

Submission:

Juno Genomics, Hangzhou Juno Genomics, Inc
Classification: Uncertain significance for Trichothiodystrophy 2, photosensitive; Xeroderma pigmentosum group B. Review status: criteria provided, single submitter. Criteria: ACMG Guidelines, 2015. Collection method: clinical testing. Allele origin: germline.
Comment: Absent from controls (or at extremely low frequency if recessive) in Genome Aggregation Database.;Multiple lines of computational evidence support a deleterious effect on the gene or gene product.